The following is an entry in ClinVar:

NM_001358530.2(MOCS1):c.421C>G (p.Gln141Glu)

Gene: MOCS1 (molybdenum cofactor synthesis 1; minus strand). Cytogenetic location: 6p21.2.
Variant type: single nucleotide variant.
Coding change: c.421C>G on transcript NM_001358530.2 (MANE Select); coding-DNA position 421, C replaced by G.
Protein change: p.Gln141Glu; replaces glutamine 141 with glutamic acid.
Molecular consequence: missense variant. On other transcripts: non-coding transcript variant (1).
Genome position (GRCh38, 1-based): chr6:39,916,230, G>C on the plus strand (C>G on the coding strand, the complement: MOCS1 is on the minus strand). VCF-style: chr6-39916230-G-C. GRCh37 (hg19) VCF-style: chr6-39883974-G-C.
Other names: c.421C>G, p.Gln141Glu (NM_001075098.4, NM_001358529.2, NM_005943.6); c.160C>G, p.Gln54Glu (NM_001358531.2, NM_001358533.2, NM_001358534.2); short protein forms Q141E, Q54E.
Identifiers: ClinVar variation 356666 (VCV000356666.17), dbSNP rs368942024, ClinGen allele CA3796281.

ClinVar aggregate classification (germline): Uncertain significance. Review status: criteria provided, multiple submitters, no conflicts (2 of 4 stars). 5 submissions from 5 submitters: Uncertain significance (5). Last evaluated 2025-09-27.

Conditions:
Sulfite oxidase deficiency due to molybdenum cofactor deficiency type A. Also called: Molybdenum cofactor deficiency, complementation group A; Molybdenum Cofactor Deficiency A. Identifiers: Orphanet 308386, Orphanet 833, MedGen C1854988, MONDO:0009643, OMIM 252150.
Inborn genetic diseases. Identifiers: MedGen C0950123, MeSH D030342.

Allele frequency attached by ClinVar (database versions not stated): ExAC 0.00010; gnomAD 0.00001; TOPMed 0.00001; ESP Exome Variant Server 0.00008; gnomAD exomes 0.00009.
gnomAD v4.1: 62 of 1,613,412 alleles (0.0038%); highest among the groups gnomAD compares: Middle Eastern, 0.36%; no homozygotes.

Submissions (5):

Ambry Genetics
Classification: Uncertain significance for Inborn genetic diseases. Last evaluated: 2025-09-27. Review status: criteria provided, single submitter. Criteria: Ambry Variant Classification Scheme 2023. Collection method: clinical testing. Allele origin: germline.

Blueprint Genetics
Classification: Uncertain significance. Last evaluated: 2024-09-27. Review status: criteria provided, single submitter. Criteria: ACMG Guidelines, 2015. Collection method: clinical testing. Allele origin: germline.

Labcorp Genetics (formerly Invitae), Labcorp
Classification: Uncertain significance for Sulfite oxidase deficiency due to molybdenum cofactor deficiency type A. Last evaluated: 2022-10-25. Review status: criteria provided, single submitter. Criteria: Invitae Variant Classification Sherloc (09022015). Collection method: clinical testing. Allele origin: germline.
Comment: This sequence change replaces glutamine, which is neutral and polar, with glutamic acid, which is acidic and polar, at codon 141 of the MOCS1 protein (p.Gln141Glu). This variant is present in population databases (rs368942024, gnomAD 0.01%). This variant has not been reported in the literature in individuals affected with MOCS1-related conditions. ClinVar contains an entry for this variant (Variation ID: 356666). Algorithms developed to predict the effect of missense changes on protein structure and function are either unavailable or do not agree on the potential impact of this missense change (SIFT: "Not Available"; PolyPhen-2: "Benign"; Align-GVGD: "Not Available"). In summary, the available evidence is currently insufficient to determine the role of this variant in disease. Therefore, it has been classified as a Variant of Uncertain Significance.

Mayo Clinic Laboratories, Mayo Clinic
Classification: Uncertain significance. Last evaluated: 2019-04-05. Review status: criteria provided, single submitter. Criteria: ACMG Guidelines, 2015. Collection method: clinical testing. Allele origin: germline. Observed: 1 variant allele.

Illumina Laboratory Services, Illumina
Classification: Uncertain significance for Sulfite oxidase deficiency due to molybdenum cofactor deficiency type A. Last evaluated: 2018-01-12. Review status: criteria provided, single submitter. Criteria: ICSL Variant Classification Criteria 13 December 2019. Collection method: clinical testing. Allele origin: germline.